The following is an entry in ClinVar:

ClinVar aggregate classification (germline): Uncertain significance (1 of 4 stars; one submission).

Submission:

CeGaT Center for Human Genetics Tuebingen
Classification: Uncertain significance. Last evaluated: 2022-09-01. Review status: criteria provided, single submitter. Criteria: CeGaT Center For Human Genetics Tuebingen Variant Classification Criteria Version 2. Collection method: clinical testing. Allele origin: germline. Affected: yes. Observed: 1 variant allele.
Comment: RPGR: PM2

NM_001034853.2(RPGR):c.2511GGA[1] (p.Glu839del)

Gene: RPGR (retinitis pigmentosa GTPase regulator; minus strand). Cytogenetic location: Xp11.4.
Variant type: Microsatellite.
Coding change: c.2511GGA[1] on transcript NM_001034853.2 (MANE Select); one copy of the 3-base unit GGA starting at c.2511; the reference has two copies in a row; one copy, 3 bases deleted.
Protein change: p.Glu839del; deletes glutamic acid 839.
Molecular consequence: inframe deletion. On other transcripts: intron variant (8).
Genome position (GRCh38, 1-based): chrX:38,286,483-38,286,485, TCC deleted on the plus strand (GGA on the coding strand, the reverse complement: RPGR is on the minus strand); deleting any 3 consecutive bases within chrX:38,286,483-38,286,490 gives the same sequence; the position shown is the placement nearest the transcript's 3' end. VCF-style (leftmost placement, unchanged base first): chrX-38286482-TTCC-T. GRCh37 (hg19) VCF-style: chrX-38145735-TTCC-T.
Other names: c.1569+4474_1569+4476del (NM_001367249.1, NM_001367250.1); c.1902+609_1902+611del (NM_001367245.1); c.1386+4474_1386+4476del (NM_001367251.1); c.1719+609_1719+611del (NM_001367246.1); c.1572+4474_1572+4476del (NM_001367247.1); c.1905+609_1905+611del (NM_000328.3); c.1602+4474_1602+4476del (NM_001367248.1); short protein forms E839del.
Identifiers: ClinVar variation 1711706 (VCV001711706.30), dbSNP rs759536041, ClinGen allele CA10385276.